The following is an entry in ClinVar:

ClinVar aggregate classification (germline): Likely benign (1 of 4 stars; one submission).

Conditions:
SEMA3F-related disorder. Also called: SEMA3F-related condition.

gnomAD v4.1: 1 of 1,601,262 alleles (0.000062%); highest among the groups gnomAD compares: Admixed American, 0.0017%; no homozygotes.

Submission:

PreventionGenetics, part of Exact Sciences
Classification: Likely benign for SEMA3F-related condition. Last evaluated: 2026-06-30. Review status: criteria provided, single submitter. Criteria: ACMG Guidelines, 2015. Collection method: clinical testing. Allele origin: germline.
Comment: This variant is classified as likely benign based on ACMG/AMP sequence variant interpretation guidelines (Richards et al. 2015 PMID: 25741868, with internal and published modifications).

NM_004186.5(SEMA3F):c.1836T>C (p.Ser612=)

Gene: SEMA3F (semaphorin 3F; plus strand). Cytogenetic location: 3p21.31.
Variant type: single nucleotide variant.
Coding change: c.1836T>C on transcript NM_004186.5 (MANE Select); coding-DNA position 1836, T replaced by C.
Protein change: p.Ser612=; no amino-acid change (serine 612 retained).
Molecular consequence: synonymous variant.
Genome position (GRCh38, 1-based): chr3:50,186,635, T>C. VCF-style: chr3-50186635-T-C. GRCh37 (hg19) VCF-style: chr3-50224068-T-C.
Other names: c.1539T>C, p.Ser513= (NM_001318798.2); c.1743T>C, p.Ser581= (NM_001318800.2).
Identifiers: ClinVar variation 4993594 (VCV004993594.1).